The following is an entry in ClinVar:

NM_052845.4(MMAB):c.291-1G>A

Gene: MMAB (metabolism of cobalamin associated B; minus strand). Cytogenetic location: 12q24.11.
Variant type: single nucleotide variant.
Coding change: c.291-1G>A on transcript NM_052845.4 (MANE Select); the canonical splice acceptor site of the intron before coding-DNA position 291, G replaced by A.
Molecular consequence: splice acceptor variant.
Genome position (GRCh38, 1-based): chr12:109,565,177, C>T on the plus strand (G>A on the coding strand, the complement: MMAB is on the minus strand). VCF-style: chr12-109565177-C-T. GRCh37 (hg19) VCF-style: chr12-110002982-C-T.
Other names: IVS3, G-A, -1.
Identifiers: ClinVar variation 219004 (VCV000219004.30), dbSNP rs199971687, ClinGen allele CA347875.

ClinVar aggregate classification (germline): Pathogenic. Review status: criteria provided, multiple submitters, no conflicts (2 of 4 stars). 11 submissions from 11 submitters: Pathogenic (8). 3 of the submissions do not count toward it. Last evaluated 2025-08-27.

Conditions:
Methylmalonic acidemia (MMA). Also called: Isolated Methylmalonic Acidemia. Identifiers: MedGen C0268583, MeSH C537358, MONDO:0002012, HP:0002912.
Methylmalonic aciduria, cblB type (MACB). Also called: METHYLMALONIC ACIDURIA, VITAMIN B12-RESPONSIVE, DUE TO DEFECT IN SYNTHESIS OF ADENOSYLCOBALAMIN, cblB TYPE; Methylmalonic acidemia cblB type; Vitamin B12-responsive methylmalonic acidemia type cblB. Identifiers: Orphanet 28, Orphanet 79311, MedGen C1855102, MONDO:0009614, OMIM 251110.

Allele frequency attached by ClinVar (database versions not stated): ESP Exome Variant Server 0.00008; gnomAD exomes 0.00008 and 0.00003; ExAC 0.00001; gnomAD 0.00003; TOPMed 0.00003.
gnomAD v4.1: 126 of 1,613,444 alleles (0.0078%); highest among the groups gnomAD compares: Non-Finnish European, 0.0097%; no homozygotes.

Submissions (11):

Natera, Inc.
Classification: Pathogenic for Methylmalonic aciduria cblB type. Last evaluated: 2025-08-27. Review status: criteria provided, single submitter. Criteria: Natera Variant Classification Schema (03/2026). Collection method: clinical testing. Allele origin: germline.
Comment: The c.291-1G>A variant in MMAB is a canonical splice acceptor site variant predicted to affect pre-mRNA splicing, which may result in an abnormal transcript and altered protein product. This variant is expected to result in nonsense mediated decay, truncation, or a dysfunctional protein product. This variant is rare in the general population with a frequency below the threshold expected for the associated phenotype(s). This variant has been observed in one or more individuals affected with the associated recessive disease, as either homozygous or compound heterozygous with a second variant (PMID: 34796408). Given the available evidence, this variant is classified as Pathogenic.

Labcorp Genetics (formerly Invitae), Labcorp
Classification: Pathogenic for Methylmalonic aciduria, cblB type. Last evaluated: 2024-10-24. Review status: criteria provided, single submitter. Criteria: Invitae Variant Classification Sherloc (09022015). Collection method: clinical testing. Allele origin: germline.
Comment: This sequence change affects an acceptor splice site in intron 3 of the MMAB gene. It is expected to disrupt RNA splicing. Variants that disrupt the donor or acceptor splice site typically lead to a loss of protein function (PMID: 16199547), and loss-of-function variants in MMAB are known to be pathogenic (PMID: 15781192, 16410054). This variant is present in population databases (rs199971687, gnomAD 0.007%). Disruption of this splice site has been observed in individuals with cblB-type methylmalonic aciduria (PMID: 16410054, 17957493, 23707710). ClinVar contains an entry for this variant (Variation ID: 219004). Algorithms developed to predict the effect of sequence changes on RNA splicing suggest that this variant may disrupt the consensus splice site. For these reasons, this variant has been classified as Pathogenic.

Mayo Clinic Laboratories, Mayo Clinic
Classification: Pathogenic. Last evaluated: 2024-07-30. Review status: criteria provided, single submitter. Criteria: ACMG Guidelines, 2015. Collection method: clinical testing. Allele origin: germline. Observed: 1 variant allele.
Comment: PP4, PM2, PM3_strong, PVS1

GeneDx
Classification: Pathogenic. Last evaluated: 2024-05-31. Review status: criteria provided, single submitter. Criteria: GeneDx Variant Classification Process June 2021. Collection method: clinical testing. Allele origin: germline. Affected: yes.
Comment: Canonical splice site variant predicted to result in a null allele in a gene for which loss-of-function is a known mechanism of disease; Not observed at a significant frequency in large population cohorts (gnomAD); This variant is associated with the following publications: (PMID: 25525159, 12471062, 17957493, 17948227, 20301409, 23707710, 16410054, 33123633, 30973671, 34426522, 34796408, 15781192)

Fulgent Genetics
Classification: Pathogenic for Methylmalonic aciduria, cblB type. Last evaluated: 2024-05-28. Review status: criteria provided, single submitter. Criteria: ACMG Guidelines, 2015. Collection method: clinical testing. Allele origin: germline.

Myriad Genetics, Inc.
Classification: Pathogenic for Methylmalonic aciduria, cblB type. Last evaluated: 2021-11-08. Review status: criteria provided, single submitter. Criteria: Myriad Women's Health Autosomal Recessive and X-Linked Classification Criteria (2021). Collection method: clinical testing. Allele origin: unknown.
Comment: NM_052845.3(MMAB):c.291-1G>A is a canonical splice variant classified as pathogenic in the context of methylmalonic acidemia, cblB type. c.291-1G>A has been observed in cases with relevant disease (PMID: 17957493, 15781192, 17948227, Vela_2009_(no PMID; thesis), Rincon_2005_(no PMID; abstract), 16410054, 12471062). Functional assessments of this variant are available in the literature (PMID: 17957493). c.291-1G>A has been observed in population frequency databases (gnomAD: NFE 0.01%). In summary, NM_052845.3(MMAB):c.291-1G> is a canonical splice variant in a gene where loss of function is a known mechanism of disease, is predicted to disrupt protein function, and has been observed more frequently in cases with the relevant disease than in healthy populations. Please note: this variant was assessed in the context of healthy population screening.

Women's Health and Genetics/Laboratory Corporation of America, LabCorp
Classification: Pathogenic for Methylmalonic acidemia. Last evaluated: 2020-10-30. Review status: criteria provided, single submitter. Criteria: LabCorp Variant Classification Summary - May 2015. Collection method: clinical testing. Allele origin: germline.
Comment: Variant summary: MMAB c.291-1G>A is located in a canonical splice-site and is predicted to affect mRNA splicing resulting in a significantly altered protein due to either exon skipping, shortening, or inclusion of intronic material. Several computational tools predict a significant impact on normal splicing: Four predict the variant abolishes a 3' acceptor site, and generates a new 3' acceptor site one nucleotide downstream. At least one publication reports experimental evidence using specific primers that selectively amplify exon 4-containing sequences, and determined that no normal mRNA transcripts were found by this approach (Merinero_2007). The variant allele was found at a frequency of 2.8e-05 in 251370 control chromosomes (gnomAD). c.291-1G>A has been reported in the literature in multiple homozygous or compound heterozygous individuals affected with Methylmalonic Acidemia (e.g. Dobson_2002, Lerner-Ellis_2006, Merinero_2007, Illson_2013). These data indicate that the variant is very likely to be associated with disease. Publication also reported experimental evidence, demonstrating significantly decreased enzyme activities in homozygous patient derived cells (Lerner-Ellis_2006, Merinero_2007). Four other clinical diagnostic laboratories have submitted clinical-significance assessments for this variant to ClinVar after 2014 without evidence for independent evaluation. All laboratories classified the variant as pathogenic. Based on the evidence outlined above, the variant was classified as pathogenic.

Eurofins Ntd Llc (ga)
Classification: Pathogenic. Last evaluated: 2018-04-23. Review status: criteria provided, single submitter. Criteria: EGL ClinVar v180209 classification definitions. Collection method: clinical testing. Allele origin: germline. Observed: 1 variant allele, 1 heterozygote.

Baumgartner lab, University Children's Hospital Zurich
Classification: Pathogenic for Methylmalonic aciduria, cblB type. Last evaluated: 2021-06-01. Review status: no assertion criteria provided. Collection method: clinical testing. Allele origin: germline. Affected: yes. Not counted in ClinVar's aggregate classification.

OMIM
Classification: Pathogenic for METHYLMALONIC ACIDURIA, cblB TYPE. Last evaluated: 2002-12-15. Review status: no assertion criteria provided. Collection method: literature only. Allele origin: germline. Not counted in ClinVar's aggregate classification.

GeneReviews
No classification provided. Condition: Methylmalonic aciduria, cblB type. Review status: no classification provided. Collection method: literature only. Allele origin: germline. Affected: yes. Not counted in ClinVar's aggregate classification.

Literature cited by the submitters: PubMed 34796408 (cited by Natera, Inc. and Mayo Clinic Laboratories, Mayo Clinic); PubMed 16199547 (cited by Labcorp Genetics (formerly Invitae), Labcorp); PubMed 15781192 (cited by 3 submitters); PubMed 16410054 (cited by 4 submitters); PubMed 17957493 (cited by 4 submitters); PubMed 23707710 (cited by 3 submitters); PubMed 12471062 (cited by 5 submitters); PubMed 17948227 (cited by Mayo Clinic Laboratories, Mayo Clinic and Myriad Genetics, Inc.); PubMed 25525159 (cited by Mayo Clinic Laboratories, Mayo Clinic and Eurofins Ntd Llc (ga)); NCBI Bookshelf NBK1231 (cited by GeneReviews).